The following is an entry in ClinVar:

ClinVar aggregate classification (germline): Uncertain significance (1 of 4 stars; one submission).

Conditions:
Hereditary cancer-predisposing syndrome. Also called: Neoplastic Syndromes, Hereditary; Hereditary Cancer Syndrome; Hereditary neoplastic syndrome; Tumor predisposition. Identifiers: Orphanet 140162, MedGen C0027672, MeSH D009386, MONDO:0015356.

Submission:

Ambry Genetics
Classification: Uncertain significance for Hereditary cancer-predisposing syndrome. Last evaluated: 2023-04-27. Review status: criteria provided, single submitter. Criteria: Ambry Variant Classification Scheme 2023. Collection method: clinical testing. Allele origin: germline.
Comment: The p.E907K variant (also known as c.2719G>A), located in coding exon 9 of the BRCA1 gene, results from a G to A substitution at nucleotide position 2719. The glutamic acid at codon 907 is replaced by lysine, an amino acid with similar properties. This amino acid position is not well conserved in available vertebrate species. In addition, the in silico prediction for this alteration is inconclusive. Since supporting evidence is limited at this time, the clinical significance of this alteration remains unclear.

NM_007294.4(BRCA1):c.2719G>A (p.Glu907Lys)

Gene: BRCA1 (BRCA1 DNA repair associated; minus strand). Cytogenetic location: 17q21.31.
Variant type: single nucleotide variant.
Coding change: c.2719G>A on transcript NM_007294.4 (MANE Select); coding-DNA position 2719, G replaced by A.
Protein change: p.Glu907Lys; replaces glutamic acid 907 with lysine.
Molecular consequence: missense variant. On other transcripts: intron variant (137).
Genome position (GRCh38, 1-based): chr17:43,092,812, C>T on the plus strand (G>A on the coding strand, the complement: BRCA1 is on the minus strand). VCF-style: chr17-43092812-C-T. GRCh37 (hg19) VCF-style: chr17-41244829-C-T.
Other names: c.2506G>A, p.Glu836Lys (NM_001407571.1, NM_001407853.1, NM_001407894.1 and 9 more transcripts); c.2719G>A, p.Glu907Lys (NM_001407581.1, NM_001407582.1, NM_001407583.1 and 30 more transcripts); c.2716G>A, p.Glu906Lys (NM_001407587.1, NM_001407590.1, NM_001407591.1 and 22 more transcripts); c.2710G>A, p.Glu904Lys (NM_001407646.1, NM_001407647.1); c.2596G>A, p.Glu866Lys (NM_001407648.1, NM_001407664.1, NM_001407665.1 and 19 more transcripts); c.2593G>A, p.Glu865Lys (NM_001407649.1, NM_001407670.1, NM_001407671.1 and 11 more transcripts); c.2641G>A, p.Glu881Lys (NM_001407653.1, NM_001407654.1, NM_001407655.1 and 4 more transcripts); c.2638G>A, p.Glu880Lys (NM_001407659.1, NM_001407660.1, NM_001407661.1 and 1 more transcripts); and 41 more; short protein forms E739K, E779K, E796K, E818K, E819K, E907K, E611K, E780K.
Identifiers: ClinVar variation 2565343 (VCV002565343.2), dbSNP rs876658593, ClinGen allele CA10596557.